The following is an entry in ClinVar:

ClinVar aggregate classification (germline): Likely pathogenic (1 of 4 stars; one submission).

Conditions:
Combined oxidative phosphorylation defect type 17. Also called: Combined oxidative phosphorylation deficiency 17. Identifiers: Orphanet 369913, MedGen C3809526, MONDO:0014190, OMIM 615440.

Submission:

Labcorp Genetics (formerly Invitae), Labcorp
Classification: Likely pathogenic for Combined oxidative phosphorylation defect type 17. Last evaluated: 2023-06-27. Review status: criteria provided, single submitter. Criteria: Invitae Variant Classification Sherloc (09022015). Collection method: clinical testing. Allele origin: germline.
Comment: ClinVar contains an entry for this variant (Variation ID: 2152423). This variant has not been reported in the literature in individuals affected with ELAC2-related conditions. This variant is not present in population databases (gnomAD no frequency). This sequence change affects a donor splice site in intron 9 of the ELAC2 gene. It is expected to disrupt RNA splicing. Variants that disrupt the donor or acceptor splice site typically lead to a loss of protein function (PMID: 16199547), and loss-of-function variants in ELAC2 are known to be pathogenic (PMID: 27769300, 31045291). Algorithms developed to predict the effect of sequence changes on RNA splicing suggest that this variant may disrupt the consensus splice site. In summary, the currently available evidence indicates that the variant is pathogenic, but additional data are needed to prove that conclusively. Therefore, this variant has been classified as Likely Pathogenic.

Literature cited by the submitters: PubMed 16199547; PubMed 27769300; PubMed 31045291.

NM_018127.7(ELAC2):c.797+1G>A

Gene: ELAC2 (elaC ribonuclease Z 2; minus strand). Cytogenetic location: 17p12.
Variant type: single nucleotide variant.
Coding change: c.797+1G>A on transcript NM_018127.7 (MANE Select); the canonical splice donor site of the intron after coding-DNA position 797, G replaced by A.
Molecular consequence: splice donor variant.
Genome position (GRCh38, 1-based): chr17:13,005,920, C>T on the plus strand (G>A on the coding strand, the complement: ELAC2 is on the minus strand). VCF-style: chr17-13005920-C-T. GRCh37 (hg19) VCF-style: chr17-12909237-C-T.
Other names: c.677+1G>A (NM_001165962.2); c.797+1G>A (NM_173717.2).
Identifiers: ClinVar variation 2152423 (VCV002152423.4), dbSNP rs2508313935, ClinGen allele CA398227486.